The following is an entry in ClinVar:

NM_002906.4(RDX):c.1411C>A (p.Pro471Thr)

Gene: RDX (radixin; minus strand). Cytogenetic location: 11q22.3.
Variant type: single nucleotide variant.
Coding change: c.1411C>A on transcript NM_002906.4 (MANE Select); coding-DNA position 1411, C replaced by A.
Protein change: p.Pro471Thr; replaces proline 471 with threonine.
Molecular consequence: missense variant. On other transcripts: intron variant (1).
Genome position (GRCh38, 1-based): chr11:110,233,413, G>T on the plus strand (C>A on the coding strand, the complement: RDX is on the minus strand). VCF-style: chr11-110233413-G-T. GRCh37 (hg19) VCF-style: chr11-110104138-G-T.
Other names: c.1411C>A, p.Pro471Thr (NM_001260492.2, NM_001260493.2); c.1003C>A, p.Pro335Thr (NM_001260494.2); c.370C>A, p.Pro124Thr (NM_001260495.2); c.405-1409C>A (NM_001260496.2); short protein forms P124T, P335T, P471T.
Identifiers: ClinVar variation 3390709 (VCV003390709.1).

ClinVar aggregate classification (germline): Uncertain significance (1 of 4 stars; one submission).

gnomAD v4.1: 74 of 1,614,056 alleles (0.0046%); highest among the groups gnomAD compares: Non-Finnish European, 0.0056%; 1 homozygote.

Submission:

GeneDx
Classification: Uncertain significance. Last evaluated: 2024-06-11. Review status: criteria provided, single submitter. Criteria: GeneDx Variant Classification Process June 2021. Collection method: clinical testing. Allele origin: germline. Affected: yes.
Comment: In silico analysis indicates that this missense variant does not alter protein structure/function; Has not been previously published as pathogenic or benign to our knowledge